The following is an entry in ClinVar:

ClinVar aggregate classification (germline): Likely benign. Review status: criteria provided, multiple submitters, no conflicts (2 of 4 stars). 2 submissions from 2 submitters: Likely benign (2). Last evaluated 2026-03-12.

Conditions:
Capillary malformation-arteriovenous malformation syndrome. Also called: Capillary malformation-arteriovenous malformation. Identifiers: Orphanet 137667, MedGen C1842180, MONDO:0012016.
RASA1-related disorder. Also called: RASA1-related condition.

Allele frequency attached by ClinVar (database versions not stated): gnomAD exomes below 0.00001.
gnomAD v4.1: 2 of 1,612,506 alleles (0.00012%); highest among the groups gnomAD compares: Non-Finnish European, 0.000085%; no homozygotes.

Submissions (2):

PreventionGenetics, part of Exact Sciences
Classification: Likely benign for RASA1-related condition. Last evaluated: 2026-03-12. Review status: criteria provided, single submitter. Criteria: ACMG Guidelines, 2015. Collection method: clinical testing. Allele origin: germline.
Comment: This variant is classified as likely benign based on ACMG/AMP sequence variant interpretation guidelines (Richards et al. 2015 PMID: 25741868, with internal and published modifications).

Labcorp Genetics (formerly Invitae), Labcorp
Classification: Likely benign for Capillary malformation-arteriovenous malformation syndrome. Last evaluated: 2023-01-24. Review status: criteria provided, single submitter. Criteria: Invitae Variant Classification Sherloc (09022015). Collection method: clinical testing. Allele origin: germline.

NM_002890.3(RASA1):c.1584T>C (p.Tyr528=)

Genes: CCNH (cyclin H; minus strand), RASA1 (RAS p21 protein activator 1; plus strand). Cytogenetic location: 5q14.3.
Variant type: single nucleotide variant.
Coding change: c.1584T>C on transcript NM_002890.3 (MANE Select); coding-DNA position 1584, T replaced by C.
Protein change: p.Tyr528=; no amino-acid change (tyrosine 528 retained).
Molecular consequence: synonymous variant. On other transcripts: intron variant (1).
Genome position (GRCh38, 1-based): chr5:87,363,478, T>C. VCF-style: chr5-87363478-T-C. GRCh37 (hg19) VCF-style: chr5-86659295-T-C.
Other names: c.1053T>C, p.Tyr351= (NM_022650.3); c.933+31566A>G (NM_001364075.2).
Identifiers: ClinVar variation 1102865 (VCV001102865.48), dbSNP rs1448608354, ClinGen allele CA445197056.